The following is an entry in ClinVar:

ClinVar aggregate classification (germline): Pathogenic/Likely pathogenic. Review status: criteria provided, multiple submitters, no conflicts (2 of 4 stars). 2 submissions from 2 submitters: Pathogenic (1); Likely pathogenic (1). Last evaluated 2024-04-03.

Conditions:
Carnitine palmitoyl transferase 1A deficiency. Also called: CPT I DEFICIENCY; CPT DEFICIENCY, HEPATIC, TYPE I; Carnitine palmitoyltransferase type I deficiency; Carnitine palmitoyltransferase 1A deficiency; CPT deficiency, hepatic, type IA. Identifiers: Orphanet 156, MedGen C1829703, MONDO:0009705, OMIM 255120.

Allele frequency attached by ClinVar (database versions not stated): gnomAD exomes below 0.00001; ExAC 0.00001.
gnomAD v4.1: 2 of 1,614,196 alleles (0.00012%); highest among the groups gnomAD compares: African/African-American, 0.0013%; no homozygotes.

Submissions (2):

Fulgent Genetics
Classification: Likely pathogenic for Carnitine palmitoyl transferase 1A deficiency. Last evaluated: 2024-04-03. Review status: criteria provided, single submitter. Criteria: ACMG Guidelines, 2015. Collection method: clinical testing. Allele origin: germline.

Labcorp Genetics (formerly Invitae), Labcorp
Classification: Pathogenic for Carnitine palmitoyl transferase 1A deficiency. Last evaluated: 2022-01-16. Review status: criteria provided, single submitter. Criteria: Invitae Variant Classification Sherloc (09022015). Collection method: clinical testing. Allele origin: germline.
Comment: This sequence change creates a premature translational stop signal (p.Trp135*) in the CPT1A gene. It is expected to result in an absent or disrupted protein product. Loss-of-function variants in CPT1A are known to be pathogenic (PMID: 16169268). This variant is present in population databases (rs750998313, gnomAD 0.007%). This variant has not been reported in the literature in individuals affected with CPT1A-related conditions. For these reasons, this variant has been classified as Pathogenic.

Literature cited by the submitters: PubMed 16169268 (cited by Labcorp Genetics (formerly Invitae), Labcorp).

NM_001876.4(CPT1A):c.405G>A (p.Trp135Ter)

Gene: CPT1A (carnitine palmitoyltransferase 1A; minus strand). Cytogenetic location: 11q13.3.
Variant type: single nucleotide variant.
Coding change: c.405G>A on transcript NM_001876.4 (MANE Select); coding-DNA position 405, G replaced by A.
Protein change: p.Trp135Ter; replaces tryptophan 135 with a stop codon.
Molecular consequence: nonsense.
Genome position (GRCh38, 1-based): chr11:68,807,515, C>T on the plus strand (G>A on the coding strand, the complement: CPT1A is on the minus strand). VCF-style: chr11-68807515-C-T. GRCh37 (hg19) VCF-style: chr11-68574983-C-T.
Other names: c.405G>A, p.Trp135Ter (NM_001031847.3); short protein forms W135*.
Identifiers: ClinVar variation 2183332 (VCV002183332.2), dbSNP rs750998313, ClinGen allele CA6152690.
Genomic context (GRCh38, chr11:68,807,515, plus strand): 5'-ACACGCAATTACCATCCAGATCTTGGTGGCACGACTCATCTTGCCGTGCTCAGTGAACAT[C>T]CACCCGTGGTAGGAGAGCAGCACTTTCAGGGAGTAGCGCATGGTGACGATGAGGGCCACC-3'